The following is an entry in ClinVar:

NM_152564.5(VPS13B):c.2751G>A (p.Glu917=)

Gene: VPS13B (vacuolar protein sorting 13 homolog B; plus strand). Cytogenetic location: 8q22.2.
Variant type: single nucleotide variant.
Coding change: c.2751G>A on transcript NM_152564.5 (MANE Select); coding-DNA position 2751, G replaced by A.
Protein change: p.Glu917=; no amino-acid change (glutamic acid 917 retained).
Molecular consequence: synonymous variant.
Genome position (GRCh38, 1-based): chr8:99,275,181, G>A. VCF-style: chr8-99275181-G-A. GRCh37 (hg19) VCF-style: chr8-100287409-G-A.
Other names: c.2751G>A (NM_152564.4); c.2751G>A, p.Glu917= (NM_017890.5).
Identifiers: ClinVar variation 1082545 (VCV001082545.34), dbSNP rs192509060, ClinGen allele CA4823013.

ClinVar aggregate classification (germline): Likely benign. Review status: criteria provided, multiple submitters, no conflicts (2 of 4 stars). 4 submissions from 4 submitters: Likely benign (3). 1 of the submissions does not count toward it. Last evaluated 2026-01-19.

Conditions:
VPS13B-related disorder. Also called: VPS13B-related condition.
Cohen syndrome (COH1). Also called: Cutis verticis gyrata, retinitis pigmentosa, and sensorineural deafness; PEPPER SYNDROME. Identifiers: Orphanet 193, MedGen C0265223, MONDO:0008999, OMIM 216550.

Allele frequency attached by ClinVar (database versions not stated): gnomAD exomes below 0.00001 and 0.00001; gnomAD 0.00001; ExAC 0.00002; TOPMed 0.00002; 1000 Genomes Project 30x 0.00031; 1000 Genomes Project 0.00040.
gnomAD v4.1: 15 of 1,612,900 alleles (0.00093%); highest among the groups gnomAD compares: African/African-American, 0.0067%; no homozygotes.

Submissions (4):

Labcorp Genetics (formerly Invitae), Labcorp
Classification: Likely benign for Cohen syndrome. Last evaluated: 2026-01-19. Review status: criteria provided, single submitter. Criteria: Invitae Variant Classification Sherloc (09022015). Collection method: clinical testing. Allele origin: germline.

Blueprint Genetics
Classification: Likely benign. Last evaluated: 2024-09-23. Review status: criteria provided, single submitter. Criteria: ACMG Guidelines, 2015. Collection method: clinical testing. Allele origin: germline.

CeGaT Center for Human Genetics Tuebingen
Classification: Likely benign. Last evaluated: 2024-01-01. Review status: criteria provided, single submitter. Criteria: CeGaT Center For Human Genetics Tuebingen Variant Classification Criteria Version 2. Collection method: clinical testing. Allele origin: germline. Affected: yes. Observed: 2 variant alleles.
Comment: VPS13B: BP4, BP7

PreventionGenetics, part of Exact Sciences
Classification: Likely benign for VPS13B-related condition. Last evaluated: 2023-02-14. Review status: no assertion criteria provided. Collection method: clinical testing. Allele origin: germline. Not counted in ClinVar's aggregate classification.
Comment: This variant is classified as likely benign based on ACMG/AMP sequence variant interpretation guidelines (Richards et al. 2015 PMID: 25741868, with internal and published modifications).